The following is an entry in ClinVar:

NM_004423.4(DVL3):c.322G>A (p.Gly108Ser)

Gene: DVL3 (dishevelled segment polarity protein 3; plus strand). Cytogenetic location: 3q27.1.
Variant type: single nucleotide variant.
Coding change: c.322G>A on transcript NM_004423.4 (MANE Select); coding-DNA position 322, G replaced by A.
Protein change: p.Gly108Ser; replaces glycine 108 with serine.
Molecular consequence: missense variant.
Genome position (GRCh38, 1-based): chr3:184,164,357, G>A. VCF-style: chr3-184164357-G-A. GRCh37 (hg19) VCF-style: chr3-183882145-G-A.
Other names: short protein forms G108S.
Identifiers: ClinVar variation 2800242 (VCV002800242.3), dbSNP rs1445429055, ClinGen allele CA355403120.

ClinVar aggregate classification (germline): Uncertain significance (1 of 4 stars; one submission).

Allele frequency attached by ClinVar (database versions not stated): gnomAD exomes below 0.00001.
gnomAD v4.1: 7 of 1,614,106 alleles (0.00043%); highest among the groups gnomAD compares: South Asian, 0.0066%; no homozygotes.

Submission:

Labcorp Genetics (formerly Invitae), Labcorp
Classification: Uncertain significance. Last evaluated: 2024-04-22. Review status: criteria provided, single submitter. Criteria: Invitae Variant Classification Sherloc (09022015). Collection method: clinical testing. Allele origin: germline.
Comment: This sequence change replaces glycine, which is neutral and non-polar, with serine, which is neutral and polar, at codon 108 of the DVL3 protein (p.Gly108Ser). This variant is present in population databases (no rsID available, gnomAD 0.006%). This variant has not been reported in the literature in individuals affected with DVL3-related conditions. Advanced modeling of protein sequence and biophysical properties (such as structural, functional, and spatial information, amino acid conservation, physicochemical variation, residue mobility, and thermodynamic stability) has been performed at Invitae for this missense variant, however the output from this modeling did not meet the statistical confidence thresholds required to predict the impact of this variant on DVL3 protein function. In summary, the available evidence is currently insufficient to determine the role of this variant in disease. Therefore, it has been classified as a Variant of Uncertain Significance.